The following is an entry in ClinVar:

NM_181503.3(EXOSC8):c.474G>A (p.Ala158=)

Gene: EXOSC8 (exosome component 8; plus strand). Cytogenetic location: 13q13.3.
Variant type: single nucleotide variant.
Coding change: c.474G>A on transcript NM_181503.3 (MANE Select); coding-DNA position 474, G replaced by A.
Protein change: p.Ala158=; no amino-acid change (alanine 158 retained).
Molecular consequence: synonymous variant.
Genome position (GRCh38, 1-based): chr13:37,007,058, G>A. VCF-style: chr13-37007058-G-A. GRCh37 (hg19) VCF-style: chr13-37581195-G-A.
Identifiers: ClinVar variation 506811 (VCV000506811.7), dbSNP rs768702144, ClinGen allele CA6951252.

ClinVar aggregate classification (germline): Likely benign. Review status: criteria provided, multiple submitters, no conflicts (2 of 4 stars). 3 submissions from 3 submitters: Likely benign (2). 1 of the submissions does not count toward it. Last evaluated 2025-06-14.

Conditions:
EXOSC8-related disorder. Also called: EXOSC8-related condition.

Allele frequency attached by ClinVar (database versions not stated): gnomAD 0.00009; gnomAD exomes 0.00009 and 0.00013; TOPMed 0.00010; ExAC 0.00016.
gnomAD v4.1: 145 of 1,610,592 alleles (0.009%); highest among the groups gnomAD compares: Middle Eastern, 0.033%; no homozygotes.

Submissions (3):

Labcorp Genetics (formerly Invitae), Labcorp
Classification: Likely benign. Last evaluated: 2025-06-14. Review status: criteria provided, single submitter. Criteria: Invitae Variant Classification Sherloc (09022015). Collection method: clinical testing. Allele origin: germline.

GeneDx
Classification: Likely benign. Last evaluated: 2017-01-23. Review status: criteria provided, single submitter. Criteria: GeneDx Variant Classification (06012015). Collection method: clinical testing. Allele origin: germline. Affected: yes.
Comment: This variant is considered likely benign or benign based on one or more of the following criteria: it is a conservative change, it occurs at a poorly conserved position in the protein, it is predicted to be benign by multiple in silico algorithms, and/or has population frequency not consistent with disease.

PreventionGenetics, part of Exact Sciences
Classification: Likely benign for EXOSC8-related condition. Last evaluated: 2020-01-31. Review status: no assertion criteria provided. Collection method: clinical testing. Allele origin: germline. Not counted in ClinVar's aggregate classification.
Comment: This variant is classified as likely benign based on ACMG/AMP sequence variant interpretation guidelines (Richards et al. 2015 PMID: 25741868, with internal and published modifications).